The following is an entry in ClinVar:

NM_001329998.2(TRANK1):c.6102C>T (p.Phe2034=)

Gene: TRANK1 (tetratricopeptide repeat and ankyrin repeat containing 1; minus strand). Cytogenetic location: 3p22.2.
Variant type: single nucleotide variant.
Coding change: c.6102C>T on transcript NM_001329998.2 (MANE Select); coding-DNA position 6102, C replaced by T.
Protein change: p.Phe2034=; no amino-acid change (phenylalanine 2034 retained).
Molecular consequence: synonymous variant.
Genome position (GRCh38, 1-based): chr3:36,833,481, G>A on the plus strand (C>T on the coding strand, the complement: TRANK1 is on the minus strand). VCF-style: chr3-36833481-G-A. GRCh37 (hg19) VCF-style: chr3-36874972-G-A.
Other names: c.5970C>T, p.Phe1990= (NM_014831.3).
Identifiers: ClinVar variation 1335505 (VCV001335505.35), dbSNP rs150860159, ClinGen allele CA2306386.

ClinVar aggregate classification (germline): Likely benign (1 of 4 stars; one submission).

Allele frequency attached by ClinVar (database versions not stated): 1000 Genomes Project 0.00160; 1000 Genomes Project 30x 0.00172; ExAC 0.00237; gnomAD exomes 0.00249 and 0.00357; TOPMed 0.00263; gnomAD 0.00291 and 0.00304; ESP Exome Variant Server 0.00437.
gnomAD v4.1: 5,595 of 1,613,940 alleles (0.35%); highest among the groups gnomAD compares: Non-Finnish European, 0.42%; 13 homozygotes.

Submission:

CeGaT Center for Human Genetics Tuebingen
Classification: Likely benign. Last evaluated: 2023-08-01. Review status: criteria provided, single submitter. Criteria: CeGaT Center For Human Genetics Tuebingen Variant Classification Criteria Version 2. Collection method: clinical testing. Allele origin: germline. Affected: yes. Observed: 2 variant alleles.
Comment: TRANK1: BP4, BP7